The following is an entry in ClinVar:

NM_001042492.3(NF1):c.1182T>C (p.Phe394=)

Gene: NF1 (neurofibromin 1; plus strand). Cytogenetic location: 17q11.2.
Variant type: single nucleotide variant.
Coding change: c.1182T>C on transcript NM_001042492.3 (MANE Select); coding-DNA position 1182, T replaced by C.
Protein change: p.Phe394=; no amino-acid change (phenylalanine 394 retained).
Molecular consequence: synonymous variant.
Genome position (GRCh38, 1-based): chr17:31,201,156, T>C. VCF-style: chr17-31201156-T-C. GRCh37 (hg19) VCF-style: chr17-29528174-T-C.
Other names: c.1182T>C, p.Phe394= (NM_000267.4, NM_001128147.3).
Identifiers: ClinVar variation 185943 (VCV000185943.22), dbSNP rs786202581, ClinGen allele CA193445.

ClinVar aggregate classification (germline): Benign/Likely benign. Review status: criteria provided, multiple submitters, no conflicts (2 of 4 stars). 9 submissions from 9 submitters: Benign (1); Likely benign (8). Last evaluated 2026-05-15.

Conditions:
Hereditary cancer-predisposing syndrome. Also called: Tumor predisposition; Hereditary neoplastic syndrome; Neoplastic Syndromes, Hereditary; Hereditary Cancer Syndrome. Identifiers: Orphanet 140162, MedGen C0027672, MeSH D009386, MONDO:0015356.
Neurofibromatosis, familial spinal (FSNF). Identifiers: Orphanet 636, MedGen C1834235, MONDO:0008078, OMIM 162210. Disease mechanism: loss of function.
Neurofibromatosis-Noonan syndrome (NFNS). Also called: NEUROFIBROMATOSIS WITH NOONAN PHENOTYPE. Identifiers: Orphanet 638, MedGen C2931482, MONDO:0011035, OMIM 601321. Disease mechanism: loss of function.
Café-au-lait macules with pulmonary stenosis (WTSN). Also called: PULMONIC STENOSIS WITH CAFE-AU-LAIT SPOTS. Identifiers: MedGen C0553586, MONDO:0008672, OMIM 193520.
Juvenile myelomonocytic leukemia (JMML). Also called: LEUKEMIA, JUVENILE MYELOMONOCYTIC, SOMATIC. Identifiers: Orphanet 86834, MedGen C0349639, MONDO:0011908, OMIM 607785, HP:0012209.
Neurofibromatosis, type 1 (NF1). Also called: Neurofibromatosis, type I; NEUROFIBROMATOSIS, TYPE I, SOMATIC; VON RECKLINGHAUSEN DISEASE; Peripheral type neurofibromatosis. Identifiers: Orphanet 636, MedGen C0027831, MONDO:0018975, OMIM 162200. Disease mechanism: loss of function.

Allele frequency attached by ClinVar (database versions not stated): TOPMed 0.00002; gnomAD exomes 0.00001; gnomAD 0.00003.
gnomAD v4.1: 19 of 1,613,994 alleles (0.0012%); highest among the groups gnomAD compares: African/African-American, 0.0067%; no homozygotes.

Submissions (9):

Myriad Genetics, Inc.
Classification: Benign for Neurofibromatosis, type 1. Last evaluated: 2026-05-15. Review status: criteria provided, single submitter. Criteria: Myriad Autosomal Dominant, Autosomal Recessive and X-Linked Classification Criteria (2023). Collection method: clinical testing. Allele origin: unknown.
Comment: This variant is considered benign. This variant is a silent/synonymous amino acid change and it is not expected to impact splicing.

Labcorp Genetics (formerly Invitae), Labcorp
Classification: Likely benign for Neurofibromatosis, type 1. Last evaluated: 2026-01-04. Review status: criteria provided, single submitter. Criteria: Invitae Variant Classification Sherloc (09022015). Collection method: clinical testing. Allele origin: germline.

Quest Diagnostics Nichols Institute San Juan Capistrano
Classification: Likely benign. Last evaluated: 2025-01-31. Review status: criteria provided, single submitter. Criteria: Quest Diagnostics criteria. Collection method: clinical testing. Allele origin: unknown.

Women's Health and Genetics/Laboratory Corporation of America, LabCorp
Classification: Likely benign. Last evaluated: 2025-01-13. Review status: criteria provided, single submitter. Criteria: LabCorp Variant Classification Summary - May 2015. Collection method: clinical testing. Allele origin: germline.

Genome-Nilou Lab
Classification: Likely benign for Neurofibromatosis, type 1. Last evaluated: 2022-03-15. Review status: criteria provided, single submitter. Criteria: ACMG Guidelines, 2015. Collection method: clinical testing. Allele origin: germline. Affected: no.

Fulgent Genetics
Classification: Likely benign for Neurofibromatosis, type 1; Neurofibromatosis, familial spinal; Café-au-lait macules with pulmonary stenosis; Neurofibromatosis-Noonan syndrome; Juvenile myelomonocytic leukemia. Last evaluated: 2021-11-24. Review status: criteria provided, single submitter. Criteria: ACMG Guidelines, 2015. Collection method: clinical testing. Allele origin: unknown.

Sema4
Classification: Likely benign for Hereditary cancer-predisposing syndrome. Last evaluated: 2021-09-16. Review status: criteria provided, single submitter. Criteria: Sema4 Curation Guidelines. Collection method: curation. Allele origin: germline.

GeneDx
Classification: Likely benign. Last evaluated: 2020-10-30. Review status: criteria provided, single submitter. Criteria: GeneDx Variant Classification Process June 2021. Collection method: clinical testing. Allele origin: germline. Affected: yes.

Ambry Genetics
Classification: Likely benign for Hereditary cancer-predisposing syndrome. Last evaluated: 2014-09-05. Review status: criteria provided, single submitter. Criteria: Ambry Autosomal Dominant and X-Linked criteria (10/2015). Collection method: clinical testing. Allele origin: germline. Observed: 1 variant allele.

Literature cited by the submitters: PubMed 10678181 (cited by Women's Health and Genetics/Laboratory Corporation of America, LabCorp); PubMed 23460398 (cited by Women's Health and Genetics/Laboratory Corporation of America, LabCorp).